The following is an entry in ClinVar:

NM_001348323.3(TRIP12):c.1768G>A (p.Ala590Thr)

Gene: TRIP12 (thyroid hormone receptor interactor 12; minus strand). Cytogenetic location: 2q36.3.
Variant type: single nucleotide variant.
Coding change: c.1768G>A on transcript NM_001348323.3 (MANE Select); coding-DNA position 1768, G replaced by A.
Protein change: p.Ala590Thr; replaces alanine 590 with threonine.
Molecular consequence: missense variant.
Genome position (GRCh38, 1-based): chr2:229,814,289, C>T on the plus strand (G>A on the coding strand, the complement: TRIP12 is on the minus strand). VCF-style: chr2-229814289-C-T. GRCh37 (hg19) VCF-style: chr2-230679005-C-T.
Other names: c.1768G>A, p.Ala590Thr (NM_001284214.2, NM_001348315.2, NM_001348319.1 and 11 more transcripts); c.1642G>A, p.Ala548Thr (NM_001284215.2, NM_001348316.2, NM_001348317.1 and 2 more transcripts); c.733G>A, p.Ala245Thr (NM_001284216.2); c.1681G>A, p.Ala561Thr (NM_001348332.1); c.1624G>A, p.Ala542Thr (NM_004238.3); short protein forms A561T, A245T, A542T, A548T, A590T.
Identifiers: ClinVar variation 4088213 (VCV004088213.1).
Genomic context (GRCh38, chr2:229,814,289, plus strand): 5'-TTACCGCCTGTAGAATGGCTTTACTATGTCTCCGTGACAACATCTCCAAGGCAGTCAAGG[C>T]CTGCTCTGCCACATCAATACACTGAATAACTTGCAGCTGGGAACATATATATAGTTACCA-3'
Protein context (NP_001335252.1, residues 580-600): VIQCIDVAEQ[Ala590Thr]LTALEMLSRR

ClinVar aggregate classification (germline): Uncertain significance (1 of 4 stars; one submission).

Submission:

GeneDx
Classification: Uncertain significance. Last evaluated: 2025-03-25. Review status: criteria provided, single submitter. Criteria: GeneDx Variant Classification Process June 2021. Collection method: clinical testing. Allele origin: germline. Affected: yes.
Comment: Not observed at significant frequency in large population cohorts (gnomAD); In silico analysis indicates that this missense variant does not alter protein structure/function; Has not been previously published as pathogenic or benign to our knowledge